The following is an entry in ClinVar:

NM_003803.4(MYOM1):c.2131C>T (p.Arg711Cys)

Gene: MYOM1 (myomesin 1; minus strand). Cytogenetic location: 18p11.31.
Variant type: single nucleotide variant.
Coding change: c.2131C>T on transcript NM_003803.4 (MANE Select); coding-DNA position 2131, C replaced by T.
Protein change: p.Arg711Cys; replaces arginine 711 with cysteine.
Molecular consequence: missense variant.
Genome position (GRCh38, 1-based): chr18:3,135,625, G>A on the plus strand (C>T on the coding strand, the complement: MYOM1 is on the minus strand). VCF-style: chr18-3135625-G-A. GRCh37 (hg19) VCF-style: chr18-3135623-G-A.
Other names: c.2131C>T, p.Arg711Cys (NM_019856.2); short protein forms R711C.
Identifiers: ClinVar variation 955859 (VCV000955859.9), dbSNP rs368232161, ClinGen allele CA8874736.
Genomic context (GRCh38, chr18:3,135,625, plus strand): 5'-CAGTCACCTCCGTTGCCTCTGAGGGCTCACCAACTCCTGCAGAATTAGAACAGCGGACAC[G>A]GAAACAGTAGGATTTCCCCTCGGCCAAGTCAAACAGAGCAAAGCGGGGAGACTTCACAGG-3'
Protein context (NP_003794.3, residues 701-721): DLAEGKSYCF[Arg711Cys]VRCSNSAGVG

ClinVar aggregate classification (germline): Uncertain significance (1 of 4 stars; one submission).

Conditions:
Hypertrophic cardiomyopathy. Also called: HYPERTROPHIC MYOCARDIOPATHY. Identifiers: Orphanet 217569, MedGen C0007194, MeSH D002312, MONDO:0005045, HP:0001639.

Allele frequency attached by ClinVar (database versions not stated): gnomAD below 0.00001 and 0.00001; gnomAD exomes 0.00002 and 0.00004; TOPMed 0.00003; ExAC 0.00004; ESP Exome Variant Server 0.00008.
gnomAD v4.1: 38 of 1,613,770 alleles (0.0024%); highest among the groups gnomAD compares: South Asian, 0.021%; no homozygotes.

Submission:

Labcorp Genetics (formerly Invitae), Labcorp
Classification: Uncertain significance for Hypertrophic cardiomyopathy. Last evaluated: 2025-03-31. Review status: criteria provided, single submitter. Criteria: Invitae Variant Classification Sherloc (09022015). Collection method: clinical testing. Allele origin: germline.
Comment: This sequence change replaces arginine, which is basic and polar, with cysteine, which is neutral and slightly polar, at codon 711 of the MYOM1 protein (p.Arg711Cys). This variant is present in population databases (rs368232161, gnomAD 0.03%). This missense change has been observed in individual(s) with hypertrophic cardiomyopathy (PMID: 26656175). ClinVar contains an entry for this variant (Variation ID: 955859). Invitae Evidence Modeling of protein sequence and biophysical properties (such as structural, functional, and spatial information, amino acid conservation, physicochemical variation, residue mobility, and thermodynamic stability) has been performed for this missense variant. However, the output from this modeling did not meet the statistical confidence thresholds required to predict the impact of this variant on MYOM1 protein function. In summary, the available evidence is currently insufficient to determine the role of this variant in disease. Therefore, it has been classified as a Variant of Uncertain Significance.

Literature cited by the submitters: PubMed 26656175.